The following is an entry in ClinVar:

ClinVar aggregate classification (germline): Uncertain significance (1 of 4 stars; one submission).

Conditions:
Hereditary cancer-predisposing syndrome. Also called: Hereditary neoplastic syndrome; Neoplastic Syndromes, Hereditary; Tumor predisposition; Hereditary Cancer Syndrome. Identifiers: Orphanet 140162, MedGen C0027672, MeSH D009386, MONDO:0015356.

gnomAD v4.1: 1 of 1,614,224 alleles (0.000062%); highest among the groups gnomAD compares: Non-Finnish European, 0.000085%; no homozygotes.

Submission:

Ambry Genetics
Classification: Uncertain significance for Hereditary cancer-predisposing syndrome. Last evaluated: 2024-12-20. Review status: criteria provided, single submitter. Criteria: Ambry Variant Classification Scheme 2023. Collection method: clinical testing. Allele origin: germline.
Comment: The p.E336V variant (also known as c.1007A>T), located in coding exon 6 of the CTNNA1 gene, results from an A to T substitution at nucleotide position 1007. The glutamic acid at codon 336 is replaced by valine, an amino acid with dissimilar properties. This amino acid position is conserved. In addition, the in silico prediction for this alteration is inconclusive. Based on the available evidence, the clinical significance of this variant remains unclear.

NM_001903.5(CTNNA1):c.1007A>T (p.Glu336Val)

Gene: CTNNA1 (catenin alpha 1; plus strand). Cytogenetic location: 5q31.2.
Variant type: single nucleotide variant.
Coding change: c.1007A>T on transcript NM_001903.5 (MANE Select); coding-DNA position 1007, A replaced by T.
Protein change: p.Glu336Val; replaces glutamic acid 336 with valine.
Molecular consequence: missense variant.
Genome position (GRCh38, 1-based): chr5:138,827,663, A>T. VCF-style: chr5-138827663-A-T. GRCh37 (hg19) VCF-style: chr5-138163352-A-T.
Other names: c.1007A>T, p.Glu336Val (NM_001290307.3, NM_001323982.2, NM_001323983.1 and 3 more transcripts); c.698A>T, p.Glu233Val (NM_001290309.3); c.638A>T, p.Glu213Val (NM_001290310.3); short protein forms E213V, E336V, E233V.
Identifiers: ClinVar variation 3837159 (VCV003837159.1).
Genomic context (GRCh38, chr5:138,827,663, plus strand): 5'-CTGCCTTGATGGCCGACTCGTCCTGCACGCGTGATGACCGTCGTGAGCGAATTGTGGCAG[A>T]GTGTAATGCTGTCCGCCAGGCCCTGCAGGACCTGCTTTCGGAGTACATGGGCAATGTGAG-3'
Protein context (NP_001894.2, residues 326-346): RDDRRERIVA[Glu336Val]CNAVRQALQD